The following is an entry in ClinVar:

ClinVar aggregate classification (germline): Likely pathogenic (1 of 4 stars; one submission).

Conditions:
KCNT2-related disorder. Also called: KCNT2-related condition. Identifiers: MedGen CN236796.

Submission:

Dasa
Classification: Likely pathogenic for KCNT2-related disorder. Last evaluated: 2022-02-05. Review status: criteria provided, single submitter. Criteria: ACMG Guidelines, 2015. Collection method: clinical testing. Allele origin: germline. Affected: yes. Observed: 1 variant allele.
Comment: The c.175+1G>T variant is located in a canonical splice-site, and it is predicted to alter gene function due to either exon skipping or nonsense-mediate decay – NMD, and the variant is present in a relevant exon to the transcript - PVS1. This variant is not present in population databases (rs895837661; gnomAD; ABraOM no frequency) - PM2. In summary, the currently available evidence indicates that the variant is likely pathogenic.

NM_198503.5(KCNT2):c.175+1G>T

Gene: KCNT2 (potassium sodium-activated channel subfamily T member 2; minus strand). Cytogenetic location: 1q31.3.
Variant type: single nucleotide variant.
Coding change: c.175+1G>T on transcript NM_198503.5 (MANE Select); the canonical splice donor site of the intron after coding-DNA position 175, G replaced by T.
Molecular consequence: splice donor variant.
Genome position (GRCh38, 1-based): chr1:196,492,261, C>A on the plus strand (G>T on the coding strand, the complement: KCNT2 is on the minus strand). VCF-style: chr1-196492261-C-A. GRCh37 (hg19) VCF-style: chr1-196461391-C-A.
Other names: c.175+1G>T (NM_001287820.3, NM_001287819.3).
Identifiers: ClinVar variation 1339492 (VCV001339492.3), dbSNP rs895837661, ClinGen allele CA35987852.
Genomic context (GRCh38, chr1:196,492,261, plus strand): 5'-AGTTGAAATATTTTGAAGTAAATATATGTACGAACAGAGGGGAATGAAATGAATAACTTA[C>A]TTGATCTCTGGTTTTTTATGAAAAATAATTTTAGTCTTTCTTTAAATGTATTTTCATTCA-3'